The following is an entry in ClinVar:

ClinVar aggregate classification (germline): Uncertain significance. Review status: criteria provided, multiple submitters, no conflicts (2 of 4 stars). 2 submissions from 2 submitters: Uncertain significance (2). Last evaluated 2025-02-18.

Submissions (2):

Ambry Genetics
Classification: Uncertain significance. Last evaluated: 2025-02-18. Review status: criteria provided, single submitter. Criteria: Ambry Variant Classification Scheme 2023. Collection method: clinical testing. Allele origin: germline.

Labcorp Genetics (formerly Invitae), Labcorp
Classification: Uncertain significance. Last evaluated: 2023-07-21. Review status: criteria provided, single submitter. Criteria: Invitae Variant Classification Sherloc (09022015). Collection method: clinical testing. Allele origin: germline.
Comment: This sequence change replaces alanine, which is neutral and non-polar, with serine, which is neutral and polar, at codon 2010 of the CEP250 protein (p.Ala2010Ser). This variant is not present in population databases (gnomAD no frequency). This variant has not been reported in the literature in individuals affected with CEP250-related conditions. ClinVar contains an entry for this variant (Variation ID: 860893). An algorithm developed to predict the effect of missense changes on protein structure and function (PolyPhen-2) suggests that this variant is likely to be tolerated. In summary, the available evidence is currently insufficient to determine the role of this variant in disease. Therefore, it has been classified as a Variant of Uncertain Significance.

NM_007186.6(CEP250):c.6028G>T (p.Ala2010Ser)

Gene: CEP250 (centrosomal protein 250; plus strand). Cytogenetic location: 20q11.22.
Variant type: single nucleotide variant.
Coding change: c.6028G>T on transcript NM_007186.6 (MANE Select); coding-DNA position 6028, G replaced by T.
Protein change: p.Ala2010Ser; replaces alanine 2010 with serine.
Molecular consequence: missense variant.
Genome position (GRCh38, 1-based): chr20:35,504,397, G>T. VCF-style: chr20-35504397-G-T. GRCh37 (hg19) VCF-style: chr20-34092225-G-T.
Other names: c.4132G>T, p.Ala1378Ser (NM_001318219.1); c.6028G>T (NM_007186.3); short protein forms A1378S, A2010S.
Identifiers: ClinVar variation 860893 (VCV000860893.12), dbSNP rs1369573210, ClinGen allele CA408755665.